The following is an entry in ClinVar:

ClinVar aggregate classification (germline): Pathogenic (1 of 4 stars; one submission).

Conditions:
Hereditary breast ovarian cancer syndrome. Also called: Hereditary breast and/or ovarian cancer syndrome; Hereditary breast and ovarian cancer syndrome (HBOC); Breast and ovarian cancer; Hereditary breast and ovarian cancer; BRCA1- and BRCA2-Associated Hereditary Breast and Ovarian Cancer; Hereditary breast and ovarian cancer syndrome. Identifiers: Orphanet 145, MedGen C0677776, MeSH D061325, MONDO:0003582. Disease mechanism: loss of function.

Submission:

Labcorp Genetics (formerly Invitae), Labcorp
Classification: Pathogenic for Hereditary breast and ovarian cancer syndrome. Last evaluated: 2019-10-15. Review status: criteria provided, single submitter. Criteria: Invitae Variant Classification Sherloc (09022015). Collection method: clinical testing. Allele origin: germline.
Comment: This variant is an out-of-frame deletion of the genomic region encompassing exon 9 of the BRCA2 gene. This creates a premature translational stop signal and is expected to result in an absent or disrupted protein product. Similar deletions of exon 9 have not been reported in the literature in individuals with BRCA2-related disease. Loss-of-function variants in BRCA2 are known to be pathogenic (PMID: 20104584). For these reasons, this variant has been classified as Pathogenic.

NC_000013.11:g.(?_32330899)_(32331050_?)del

Gene: BRCA2 (BRCA2 DNA repair associated; plus strand). Cytogenetic location: 13q13.1.
Variant type: Deletion.
Identifiers: ClinVar variation 830863 (VCV000830863.1).